The following is an entry in ClinVar:

ClinVar aggregate classification (germline): Likely benign (1 of 4 stars; one submission).

Conditions:
SEMA3G-related disorder. Also called: SEMA3G-related condition.

gnomAD v4.1: 22 of 1,612,920 alleles (0.0014%); highest among the groups gnomAD compares: East Asian, 0.016%; no homozygotes.

Submission:

PreventionGenetics, part of Exact Sciences
Classification: Likely benign for SEMA3G-related condition. Last evaluated: 2025-11-21. Review status: criteria provided, single submitter. Criteria: ACMG Guidelines, 2015. Collection method: clinical testing. Allele origin: germline.
Comment: This variant is classified as likely benign based on ACMG/AMP sequence variant interpretation guidelines (Richards et al. 2015 PMID: 25741868, with internal and published modifications).

NM_020163.3(SEMA3G):c.981G>A (p.Ala327=)

Gene: SEMA3G (semaphorin 3G; minus strand). Cytogenetic location: 3p21.1.
Variant type: single nucleotide variant.
Coding change: c.981G>A on transcript NM_020163.3 (MANE Select); coding-DNA position 981, G replaced by A.
Protein change: p.Ala327=; no amino-acid change (alanine 327 retained).
Molecular consequence: synonymous variant.
Genome position (GRCh38, 1-based): chr3:52,440,771, C>T on the plus strand (G>A on the coding strand, the complement: SEMA3G is on the minus strand). VCF-style: chr3-52440771-C-T. GRCh37 (hg19) VCF-style: chr3-52474787-C-T.
Identifiers: ClinVar variation 4977419 (VCV004977419.1).
Genomic context (GRCh38, chr3:52,440,771, plus strand): 5'-AGACAGGGGCCCATCGCAAGGCCGGGGTGCTGGGTGTGCCCACCTGACGGTGCTGAACAG[C>T]GCGTACACCTCGAGGCTCTTCCCGGCCTTGGGCCACAGCAGGAACACATCCTCTGGGGTA-3'
Protein context (NP_064548.1, residues 317-337): PKAGKSLEVY[Ala327=]LFSTVSAVFQ